The following is an entry in ClinVar:

ClinVar aggregate classification (germline): Uncertain significance. Review status: criteria provided, multiple submitters, no conflicts (2 of 4 stars). 3 submissions from 3 submitters: Uncertain significance (3). Last evaluated 2023-12-05.

Conditions:
Long QT syndrome (LQTS). Identifiers: MedGen C0023976, MeSH D008133, MONDO:0002442. Disease mechanism: loss of function. Inheritance: Various modes of inheritance.
Cardiovascular phenotype. Identifiers: MedGen CN230736.
Cardiac arrhythmia. Also called: Cardiac rhythm disease; Arrhythmia. Identifiers: MedGen C0003811, MONDO:0007263, HP:0011675.

Allele frequency attached by ClinVar (database versions not stated): ExAC 0.00003; gnomAD exomes below 0.00001; 1000 Genomes Project 0.00020; 1000 Genomes Project 30x 0.00031; gnomAD 0.00001.
gnomAD v4.1: 3 of 1,589,756 alleles (0.00019%); highest among the groups gnomAD compares: East Asian, 0.0069%; no homozygotes.

Submissions (3):

Color Diagnostics, LLC DBA Color Health
Classification: Uncertain significance for Cardiac arrhythmia. Last evaluated: 2023-12-05. Review status: criteria provided, single submitter. Criteria: ACMG Guidelines, 2015. Collection method: clinical testing. Allele origin: germline.
Comment: Variant of Uncertain Significance due to insufficient evidence: This missense variant is located in the cytoplasmic domain of the KCNH2 protein. Computational prediction tools and conservation analyses suggest that this variant may have deleterious impact on the protein function. Computational splicing tools suggest that this variant may not impact RNA splicing. To our knowledge, functional assays have not been performed for this variant nor has this variant been reported in individuals affected with cardiovascular disorders in the literature. This variant is rare in the general population and has been identified in 2/231474 chromosomes by the Genome Aggregation Database (gnomAD). Available evidence is insufficient to determine the pathogenicity of this variant conclusively.

Ambry Genetics
Classification: Uncertain significance for Cardiovascular phenotype. Last evaluated: 2022-09-17. Review status: criteria provided, single submitter. Criteria: Ambry Variant Classification Scheme 2023. Collection method: clinical testing. Allele origin: germline.
Comment: The p.H1151Q variant (also known as c.3453C>A), located in coding exon 15 of the KCNH2 gene, results from a C to A substitution at nucleotide position 3453. The histidine at codon 1151 is replaced by glutamine, an amino acid with highly similar properties. This amino acid position is well conserved in available vertebrate species. In addition, the in silico prediction for this alteration is inconclusive. Since supporting evidence is limited at this time, the clinical significance of this alteration remains unclear.

Labcorp Genetics (formerly Invitae), Labcorp
Classification: Uncertain significance for Long QT syndrome. Last evaluated: 2021-11-01. Review status: criteria provided, single submitter. Criteria: Invitae Variant Classification Sherloc (09022015). Collection method: clinical testing. Allele origin: germline.
Comment: This sequence change replaces histidine, which is basic and polar, with glutamine, which is neutral and polar, at codon 1151 of the KCNH2 protein (p.His1151Gln). The frequency data for this variant in the population databases is considered unreliable, as metrics indicate poor data quality at this position in the gnomAD database. This variant has not been reported in the literature in individuals affected with KCNH2-related conditions. ClinVar contains an entry for this variant (Variation ID: 629472). Algorithms developed to predict the effect of missense changes on protein structure and function are either unavailable or do not agree on the potential impact of this missense change (SIFT: "Tolerated"; PolyPhen-2: "Possibly Damaging"; Align-GVGD: "Class C0"). In summary, the available evidence is currently insufficient to determine the role of this variant in disease. Therefore, it has been classified as a Variant of Uncertain Significance.

NM_000238.4(KCNH2):c.3453C>A (p.His1151Gln)

Gene: KCNH2 (potassium voltage-gated channel subfamily H member 2; minus strand). Cytogenetic location: 7q36.1.
Variant type: single nucleotide variant.
Coding change: c.3453C>A on transcript NM_000238.4 (MANE Select); coding-DNA position 3453, C replaced by A.
Protein change: p.His1151Gln; replaces histidine 1151 with glutamine.
Molecular consequence: missense variant.
Genome position (GRCh38, 1-based): chr7:150,945,392, G>T on the plus strand (C>A on the coding strand, the complement: KCNH2 is on the minus strand). VCF-style: chr7-150945392-G-T. GRCh37 (hg19) VCF-style: chr7-150642480-G-T.
Other names: c.2433C>A, p.His811Gln (NM_172057.3); short protein forms H811Q, H1151Q.
Identifiers: ClinVar variation 629472 (VCV000629472.49), dbSNP rs531426751, ClinGen allele CA039062.
Genomic context (GRCh38, chr7:150,945,392, plus strand): 5'-GGGTGAGCCACGTGTCCACACTGGGCAGCCCCACTAACTGCCCGGGTCCGAGCCGTGTCT[G>T]TGCAGGGGCTGGGAGGTGAGGGCCCCCAGCTGGCCCGGTAGGGAGAGGCGTCGTGTGGGG-3'
Protein context (NP_000229.1, residues 1141-1159): QLGALTSQPL[His1151Gln]RHGSDPGS